The following is an entry in ClinVar:

NM_000051.4(ATM):c.2377-350A>G

Gene: ATM (ATM serine/threonine kinase; plus strand). Cytogenetic location: 11q22.3.
Variant type: single nucleotide variant.
Coding change: c.2377-350A>G on transcript NM_000051.4 (MANE Select); 350 bases into the intron before coding-DNA position 2377, A replaced by G.
Molecular consequence: intron variant.
Genome position (GRCh38, 1-based): chr11:108,258,636, A>G. VCF-style: chr11-108258636-A-G. GRCh37 (hg19) VCF-style: chr11-108129363-A-G.
Other names: c.2377-350A>G (NM_001351834.2).
Identifiers: ClinVar variation 2767255 (VCV002767255.3), dbSNP rs1357920774, ClinGen allele CA942016417.
Genomic context (GRCh38, chr11:108,258,636, plus strand): 5'-AGCCAGGCCCCAGAGTATTGATAATAATTGGAAATATATTTCAAACCTAGTATTAGGTAC[A>G]TGGCCATATAGCAATATTATCAACATATTTCTTGGTTTTGTAATGTGTTTTTCCTCCTTT-3'

ClinVar aggregate classification (germline): Uncertain significance (1 of 4 stars; one submission).

Conditions:
Ataxia-telangiectasia syndrome (AT). Also called: Ataxia-telangiectasia, complementation group D; LOUIS-BAR SYNDROME; ATAXIA-TELANGIECTASIA, COMPLEMENTATION GROUP A; ATAXIA-TELANGIECTASIA, FRESNO VARIANT; Ataxia telangiectasia (A-T); Cerebello-oculocutaneous telangiectasia. Identifiers: Orphanet 100, MedGen C0004135, MONDO:0008840, OMIM 208900.

gnomAD v4.1: 1 of 152,172 alleles (0.00066%); no homozygotes.

Submission:

Labcorp Genetics (formerly Invitae), Labcorp
Classification: Uncertain significance for Ataxia-telangiectasia syndrome. Last evaluated: 2023-10-09. Review status: criteria provided, single submitter. Criteria: Invitae Variant Classification Sherloc (09022015). Collection method: clinical testing. Allele origin: germline.
Comment: This sequence change falls in intron 15 of the ATM gene. It does not directly change the encoded amino acid sequence of the ATM protein. RNA analysis indicates that this variant induces altered splicing and may result in an absent or disrupted protein product. This variant is not present in population databases (gnomAD no frequency). This variant has not been reported in the literature in individuals affected with ATM-related conditions. Studies have shown that this variant results in activation of a cryptic splice site and introduces a premature termination codon (Invitae). The resulting mRNA is expected to undergo nonsense-mediated decay. In summary, the available evidence is currently insufficient to determine the role of this variant in disease. Therefore, it has been classified as a Variant of Uncertain Significance.